The following is an entry in ClinVar:

ClinVar aggregate classification (germline): Uncertain significance. Review status: criteria provided, multiple submitters, no conflicts (2 of 4 stars). 3 submissions from 3 submitters: Uncertain significance (3). Last evaluated 2025-01-28.

Conditions:
Inborn genetic diseases. Identifiers: MedGen C0950123, MeSH D030342.
T-cell immunodeficiency, congenital alopecia, and nail dystrophy. Also called: Congenital alopecia and nail dystrophy associated with severe functional T-cell immunodeficiency; Pignata Guarino syndrome. Identifiers: Orphanet 169095, MedGen C1866426, MONDO:0011132, OMIM 601705.

Allele frequency attached by ClinVar (database versions not stated): gnomAD exomes 0.00001 and 0.00003; ExAC 0.00003; TOPMed 0.00007.
gnomAD v4.1: 29 of 1,613,512 alleles (0.0018%); highest among the groups gnomAD compares: African/African-American, 0.017%; no homozygotes.

Submissions (3):

Labcorp Genetics (formerly Invitae), Labcorp
Classification: Uncertain significance for T-cell immunodeficiency, congenital alopecia, and nail dystrophy. Last evaluated: 2025-01-28. Review status: criteria provided, single submitter. Criteria: Invitae Variant Classification Sherloc (09022015). Collection method: clinical testing. Allele origin: germline.
Comment: This sequence change replaces arginine, which is basic and polar, with glutamine, which is neutral and polar, at codon 482 of the FOXN1 protein (p.Arg482Gln). This variant is present in population databases (rs768671496, gnomAD 0.02%). This variant has not been reported in the literature in individuals affected with FOXN1-related conditions. ClinVar contains an entry for this variant (Variation ID: 593700). Invitae Evidence Modeling of protein sequence and biophysical properties (such as structural, functional, and spatial information, amino acid conservation, physicochemical variation, residue mobility, and thermodynamic stability) indicates that this missense variant is not expected to disrupt FOXN1 protein function with a negative predictive value of 80%. In summary, the available evidence is currently insufficient to determine the role of this variant in disease. Therefore, it has been classified as a Variant of Uncertain Significance.

Ambry Genetics
Classification: Uncertain significance for Inborn genetic diseases. Last evaluated: 2023-04-25. Review status: criteria provided, single submitter. Criteria: Ambry Variant Classification Scheme 2023. Collection method: clinical testing. Allele origin: germline.

Eurofins Ntd Llc (ga)
Classification: Uncertain significance. Last evaluated: 2017-08-16. Review status: criteria provided, single submitter. Criteria: EGL Classification Definitions 2015. Collection method: clinical testing. Allele origin: germline. Observed: 1 variant allele, 1 heterozygote.

NM_001369369.1(FOXN1):c.1445G>A (p.Arg482Gln)

Gene: FOXN1 (forkhead box N1; plus strand). Cytogenetic location: 17q11.2.
Variant type: single nucleotide variant.
Coding change: c.1445G>A on transcript NM_001369369.1 (MANE Select); coding-DNA position 1445, G replaced by A.
Protein change: p.Arg482Gln; replaces arginine 482 with glutamine.
Molecular consequence: missense variant.
Genome position (GRCh38, 1-based): chr17:28,535,016, G>A. VCF-style: chr17-28535016-G-A. GRCh37 (hg19) VCF-style: chr17-26862034-G-A.
Other names: c.1445G>A, p.Arg482Gln (NM_003593.3); short protein forms R482Q.
Identifiers: ClinVar variation 593700 (VCV000593700.11), dbSNP rs768671496, ClinGen allele CA8459530.
Genomic context (GRCh38, chr17:28,535,016, plus strand): 5'-TGGCCCCTCCTGGACCCCCGCAGCCATTGTTCCCACAGCCGGACGGGCACCTTGAGCTGC[G>A]GGCCCAGCCAGGCACCCCCCAGGACTCGCCTCTGCCTGCCCACACCCCACCCAGCCACAG-3'
Protein context (NP_001356298.1, residues 472-492): FPQPDGHLEL[Arg482Gln]AQPGTPQDSP